The following is an entry in ClinVar:

ClinVar aggregate classification (germline): Uncertain significance (1 of 4 stars; one submission).

Allele frequency attached by ClinVar (database versions not stated): gnomAD exomes below 0.00001.
gnomAD v4.1: 3 of 1,613,088 alleles (0.00019%); highest among the groups gnomAD compares: Non-Finnish European, 0.00017%; no homozygotes.

Submission:

Labcorp Genetics (formerly Invitae), Labcorp
Classification: Uncertain significance. Last evaluated: 2025-04-07. Review status: criteria provided, single submitter. Criteria: Invitae Variant Classification Sherloc (09022015). Collection method: clinical testing. Allele origin: germline.
Comment: This sequence change falls in intron 9 of the ALPK1 gene. It does not directly change the encoded amino acid sequence of the ALPK1 protein. It affects a nucleotide within the consensus splice site. This variant is present in population databases (no rsID available, gnomAD 0.002%). This variant has not been reported in the literature in individuals affected with ALPK1-related conditions. ClinVar contains an entry for this variant (Variation ID: 1964296). Variants that disrupt the consensus splice site are a relatively common cause of aberrant splicing (PMID: 17576681, 9536098). Algorithms developed to predict the effect of sequence changes on RNA splicing suggest that this variant is not likely to affect RNA splicing. In summary, the available evidence is currently insufficient to determine the role of this variant in disease. Therefore, it has been classified as a Variant of Uncertain Significance.

Literature cited by the submitters: PubMed 17576681; PubMed 9536098.

NM_025144.4(ALPK1):c.796-3C>T

Gene: ALPK1 (alpha kinase 1; plus strand). Cytogenetic location: 4q25.
Variant type: single nucleotide variant.
Coding change: c.796-3C>T on transcript NM_025144.4 (MANE Select); 3 bases into the intron before coding-DNA position 796, C replaced by T.
Molecular consequence: intron variant.
Genome position (GRCh38, 1-based): chr4:112,429,146, C>T. VCF-style: chr4-112429146-C-T. GRCh37 (hg19) VCF-style: chr4-113350302-C-T.
Other names: c.796-3C>T (NM_001102406.2); c.562-3C>T (NM_001253884.2).
Identifiers: ClinVar variation 1964296 (VCV001964296.5), dbSNP rs1342821465, ClinGen allele CA554055313.